The following is an entry in ClinVar:

ClinVar aggregate classification (germline): Uncertain significance. Review status: criteria provided, multiple submitters, no conflicts (2 of 4 stars). 3 submissions from 3 submitters: Uncertain significance (3). Last evaluated 2025-05-14.

Conditions:
ELN-related disorder.
Supravalvar aortic stenosis (SVAS). Also called: Supravalvar aortic stenosis, Eisenberg type. Identifiers: Orphanet 3193, MedGen C0003499, MONDO:0008504, OMIM 185500, HP:0004381.

gnomAD v4.1: 15 of 1,546,954 alleles (0.00097%); highest among the groups gnomAD compares: Non-Finnish European, 0.0013%; no homozygotes.

Submissions (3):

Labcorp Genetics (formerly Invitae), Labcorp
Classification: Uncertain significance for Supravalvar aortic stenosis. Last evaluated: 2025-05-14. Review status: criteria provided, single submitter. Criteria: Invitae Variant Classification Sherloc (09022015). Collection method: clinical testing. Allele origin: germline.
Comment: This sequence change replaces alanine, which is neutral and non-polar, with serine, which is neutral and polar, at codon 699 of the ELN protein (p.Ala699Ser). This variant is present in population databases (no rsID available, gnomAD 0.007%). This variant has not been reported in the literature in individuals affected with ELN-related conditions. ClinVar contains an entry for this variant (Variation ID: 1676218). Invitae Evidence Modeling of protein sequence and biophysical properties (such as structural, functional, and spatial information, amino acid conservation, physicochemical variation, residue mobility, and thermodynamic stability) indicates that this missense variant is not expected to disrupt ELN protein function with a negative predictive value of 80%. In summary, the available evidence is currently insufficient to determine the role of this variant in disease. Therefore, it has been classified as a Variant of Uncertain Significance.

PreventionGenetics, part of Exact Sciences
Classification: Uncertain significance for ELN-related condition. Last evaluated: 2022-11-23. Review status: criteria provided, single submitter. Criteria: ACMG Guidelines, 2015. Collection method: clinical testing. Allele origin: germline.
Comment: The ELN c.1909G>T variant is predicted to result in the amino acid substitution p.Ala637Ser. To our knowledge, this variant has not been reported in the literature. This variant is reported in 0.0068% of alleles in individuals of European (Non-Finnish) descent in gnomAD. At this time, the clinical significance of this variant is uncertain due to the absence of conclusive functional and genetic evidence.

Molecular Genetics, Royal Melbourne Hospital
Classification: Uncertain significance for Supravalvar aortic stenosis. Last evaluated: 2022-04-05. Review status: criteria provided, single submitter. Criteria: ACMG Guidelines, 2015. Collection method: clinical testing. Allele origin: germline.
Comment: This sequence change is predicted to replace alanine with serine at codon 637 of the ELN protein, p.(Ala637Ser). The alanine residue is weakly conserved (100 vertebrates, UCSC), and is not located in a known functional domain. There is a moderate physicochemical difference between alanine and serine. The variant is present in a large population cohort at a frequency of 0.003% (4/150,404 alleles, 0 homozygotes in gnomAD v2.1), and has been reported as likely benign (LOVD). There are no reports of the variant in the relevant medical literature. Multiple lines of computational evidence predict a benign effect for the missense substitution (5/6 algorithms). Based on the classification scheme RMH Modified ACMG Guidelines v1.3.2, this variant is classified as a VARIANT OF UNCERTAIN SIGNIFICANCE. Following criteria are met: BP4.

NM_000501.4(ELN):c.1909G>T (p.Ala637Ser)

Gene: ELN (elastin; plus strand). Cytogenetic location: 7q11.23.
Variant type: single nucleotide variant.
Coding change: c.1909G>T on transcript NM_000501.4 (MANE Select); coding-DNA position 1909, G replaced by T.
Protein change: p.Ala637Ser; replaces alanine 637 with serine.
Molecular consequence: missense variant.
Genome position (GRCh38, 1-based): chr7:74,063,360, G>T. VCF-style: chr7-74063360-G-T. GRCh37 (hg19) VCF-style: chr7-73477690-G-T.
Other names: c.1822G>T, p.Ala608Ser (NM_001081752.3); c.1867G>T, p.Ala623Ser (NM_001081753.3); c.1924G>T, p.Ala642Ser (NM_001081754.3); c.1852G>T, p.Ala618Ser (NM_001081755.3); c.1909G>T, p.Ala637Ser (NM_001278912.2); c.1666G>T, p.Ala556Ser (NM_001278913.2); c.1837G>T, p.Ala613Ser (NM_001278914.2); c.1927G>T, p.Ala643Ser (NM_001278915.2); and 5 more; short protein forms A548S, A556S, A589S, A608S, A613S, A618S, A623S, A627S.
Identifiers: ClinVar variation 1676218 (VCV001676218.4), dbSNP rs536177240, ClinGen allele CA367890044.